The following is an entry in ClinVar:

ClinVar aggregate classification (germline): Uncertain significance (1 of 4 stars; one submission).

Conditions:
Familial thoracic aortic aneurysm and aortic dissection (TAAD). Also called: Thoracic aortic aneurysms and dissections. Identifiers: Orphanet 91387, MedGen C4707243, MONDO:0019625.

Submission:

Ambry Genetics
Classification: Uncertain significance for Familial thoracic aortic aneurysm and aortic dissection. Last evaluated: 2023-03-12. Review status: criteria provided, single submitter. Criteria: Ambry Variant Classification Scheme 2023. Collection method: clinical testing. Allele origin: germline.
Comment: The p.A105V variant (also known as c.314C>T), located in coding exon 2 of the SMAD3 gene, results from a C to T substitution at nucleotide position 314. The alanine at codon 105 is replaced by valine, an amino acid with similar properties. This amino acid position is conserved. In addition, this alteration is predicted to be deleterious by in silico analysis. Since supporting evidence is limited at this time, the clinical significance of this alteration remains unclear.

NM_005902.4(SMAD3):c.314C>T (p.Ala105Val)

Gene: SMAD3 (SMAD family member 3; plus strand). Cytogenetic location: 15q22.33.
Variant type: single nucleotide variant.
Coding change: c.314C>T on transcript NM_005902.4 (MANE Select); coding-DNA position 314, C replaced by T.
Protein change: p.Ala105Val; replaces alanine 105 with valine.
Molecular consequence: missense variant. On other transcripts: 5 prime UTR variant (3).
Genome position (GRCh38, 1-based): chr15:67,165,002, C>T. VCF-style: chr15-67165002-C-T. GRCh37 (hg19) VCF-style: chr15-67457340-C-T.
Other names: c.-2C>T (NM_001145102.2, NM_001407015.1, NM_001407016.1); c.182C>T, p.Ala61Val (NM_001145103.2); c.314C>T, p.Ala105Val (NM_001407011.1, NM_001407012.1, NM_001407013.1); c.167C>T, p.Ala56Val (NM_001407014.1); short protein forms A56V, A105V, A61V.
Identifiers: ClinVar variation 2452423 (VCV002452423.2), dbSNP rs2140294038, ClinGen allele CA392954005.